The following is an entry in ClinVar:

ClinVar aggregate classification (germline): Likely pathogenic (1 of 4 stars; one submission).

Submission:

Labcorp Genetics (formerly Invitae), Labcorp
Classification: Likely pathogenic. Last evaluated: 2024-08-11. Review status: criteria provided, single submitter. Criteria: Invitae Variant Classification Sherloc (09022015). Collection method: clinical testing. Allele origin: germline.
Comment: This sequence change affects a donor splice site in intron 35 of the NBAS gene. It is expected to disrupt RNA splicing. Variants that disrupt the donor or acceptor splice site typically lead to a loss of protein function (PMID: 16199547), and loss-of-function variants in NBAS are known to be pathogenic (PMID: 26073778, 26541327, 27789416, 28031453). This variant is not present in population databases (gnomAD no frequency). This variant has not been reported in the literature in individuals affected with NBAS-related conditions. Algorithms developed to predict the effect of sequence changes on RNA splicing suggest that this variant may disrupt the consensus splice site. In summary, the currently available evidence indicates that the variant is pathogenic, but additional data are needed to prove that conclusively. Therefore, this variant has been classified as Likely Pathogenic.

Literature cited by the submitters: PubMed 16199547; PubMed 26073778; PubMed 26541327; PubMed 27789416; PubMed 28031453.

NM_015909.4(NBAS):c.4179+2T>A

Gene: NBAS (NBAS subunit of NRZ tethering complex; minus strand). Cytogenetic location: 2p24.3.
Variant type: single nucleotide variant.
Coding change: c.4179+2T>A on transcript NM_015909.4 (MANE Select); the canonical splice donor site of the intron after coding-DNA position 4179, T replaced by A.
Molecular consequence: splice donor variant.
Genome position (GRCh38, 1-based): chr2:15,351,990, A>T on the plus strand (T>A on the coding strand, the complement: NBAS is on the minus strand). VCF-style: chr2-15351990-A-T. GRCh37 (hg19) VCF-style: chr2-15492114-A-T.
Identifiers: ClinVar variation 3616166 (VCV003616166.2).